The following is an entry in ClinVar:

ClinVar aggregate classification (germline): Benign/Likely benign. Review status: criteria provided, multiple submitters, no conflicts (2 of 4 stars). 3 submissions from 3 submitters: Benign (1); Likely benign (2). Last evaluated 2025-06-18.

Conditions:
Hereditary cancer-predisposing syndrome. Also called: Tumor predisposition; Hereditary neoplastic syndrome; Neoplastic Syndromes, Hereditary; Hereditary Cancer Syndrome. Identifiers: Orphanet 140162, MedGen C0027672, MeSH D009386, MONDO:0015356.
Familial adenomatous polyposis 1 (FAP1). Also called: FAMILIAL ADENOMATOUS POLYPOSIS 1, ATTENUATED; POLYPOSIS, ADENOMATOUS INTESTINAL. Identifiers: MedGen C2713442, MONDO:0021056, OMIM 175100. Disease mechanism: loss of function.

Allele frequency attached by ClinVar (database versions not stated): gnomAD exomes below 0.00001.
gnomAD v4.1: 1 of 1,614,012 alleles (0.000062%); highest among the groups gnomAD compares: Non-Finnish European, 0.000085%; no homozygotes.

Submissions (3):

Labcorp Genetics (formerly Invitae), Labcorp
Classification: Likely benign for Familial adenomatous polyposis 1. Last evaluated: 2025-06-18. Review status: criteria provided, single submitter. Criteria: Invitae Variant Classification Sherloc (09022015). Collection method: clinical testing. Allele origin: germline.

Myriad Genetics, Inc.
Classification: Benign for Familial adenomatous polyposis 1. Last evaluated: 2024-03-01. Review status: criteria provided, single submitter. Criteria: Myriad Autosomal Dominant, Autosomal Recessive and X-Linked Classification Criteria (2023). Collection method: clinical testing. Allele origin: unknown.
Comment: This variant is considered benign. This variant is a silent/synonymous amino acid change and it is not expected to impact splicing.

Ambry Genetics
Classification: Likely benign for Hereditary cancer-predisposing syndrome. Last evaluated: 2018-10-17. Review status: criteria provided, single submitter. Criteria: Ambry Variant Classification Scheme 2023. Collection method: clinical testing. Allele origin: germline.

NM_000038.6(APC):c.1201A>C (p.Arg401=)

Gene: APC (APC regulator of Wnt signaling pathway; plus strand). Cytogenetic location: 5q22.2.
Variant type: single nucleotide variant.
Coding change: c.1201A>C on transcript NM_000038.6 (MANE Select); coding-DNA position 1201, A replaced by C.
Protein change: p.Arg401=; no amino-acid change (arginine 401 retained).
Molecular consequence: synonymous variant. On other transcripts: intron variant (4).
Genome position (GRCh38, 1-based): chr5:112,819,233, A>C. VCF-style: chr5-112819233-A-C. GRCh37 (hg19) VCF-style: chr5-112154930-A-C.
Other names: c.1201A>C, p.Arg401= (NM_001127510.3, NM_001354895.2, NM_001354896.2); c.1147A>C, p.Arg383= (NM_001127511.3); c.1231A>C, p.Arg411= (NM_001354897.2); c.1126A>C, p.Arg376= (NM_001354898.2); c.1117A>C, p.Arg373= (NM_001354899.2); c.1024A>C, p.Arg342= (NM_001354900.2, NM_001354901.2); c.352A>C, p.Arg118= (NM_001354906.2); c.964-36A>C (NM_001354902.2); and 3 more.
Identifiers: ClinVar variation 818572 (VCV000818572.5), dbSNP rs1580530476, ClinGen allele CA445960343.